The following is an entry in ClinVar:

ClinVar aggregate classification (germline): Likely pathogenic (1 of 4 stars; one submission).

Conditions:
Congenital myasthenic syndrome 2A. Also called: Myasthenic syndrome, congenital, 2a, slow-channel. Identifiers: Orphanet 590, MedGen C4225374, MONDO:0014581, OMIM 616313.

Submission:

Labcorp Genetics (formerly Invitae), Labcorp
Classification: Likely pathogenic for Congenital myasthenic syndrome 2A. Last evaluated: 2018-12-03. Review status: criteria provided, single submitter. Criteria: Invitae Variant Classification Sherloc (09022015). Collection method: clinical testing. Allele origin: germline.
Comment: In summary, the currently available evidence indicates that the variant is pathogenic, but additional data are needed to prove that conclusively. Therefore, this variant has been classified as Likely Pathogenic. This variant has not been reported in the literature in individuals with CHRNB1-related conditions. This variant is not present in population databases (ExAC no frequency). This sequence change affects an acceptor splice site in intron 4 of the CHRNB1 gene. It is expected to disrupt RNA splicing and likely results in an absent or disrupted protein product. Donor and acceptor splice site variants typically lead to a loss of protein function (PMID: 16199547), and loss-of-function variants in CHRNB1 are known to be pathogenic (PMID: 10562302). Algorithms developed to predict the effect of sequence changes on RNA splicing suggest that this variant may disrupt the consensus splice site, but this prediction has not been confirmed by published transcriptional studies.

Literature cited by the submitters: PubMed 16199547; PubMed 10562302.

NM_000747.3(CHRNB1):c.354-1G>A

Gene: CHRNB1 (cholinergic receptor nicotinic beta 1 subunit; plus strand). Cytogenetic location: 17p13.1.
Variant type: single nucleotide variant.
Coding change: c.354-1G>A on transcript NM_000747.3 (MANE Select); the canonical splice acceptor site of the intron before coding-DNA position 354, G replaced by A.
Molecular consequence: splice acceptor variant.
Genome position (GRCh38, 1-based): chr17:7,447,042, G>A. VCF-style: chr17-7447042-G-A. GRCh37 (hg19) VCF-style: chr17-7350361-G-A.
Identifiers: ClinVar variation 661296 (VCV000661296.7), dbSNP rs1597749210, ClinGen allele CA397790984.
Genomic context (GRCh38, chr17:7,447,042, plus strand): 5'-TCGGGGGGCGGGGGGCCTCCGGGCGCGGGGCCTGATCCCTGATGAGATCCCTTCTCTGCA[G>A]CAATGATGGGAATTTTGACGTGGCTCTGGACATTAGCGTCGTGGTGTCCTCCGACGGCTC-3'